The following is an entry in ClinVar:

ClinVar aggregate classification (germline): Pathogenic (1 of 4 stars; one submission).

Submission:

Labcorp Genetics (formerly Invitae), Labcorp
Classification: Pathogenic. Last evaluated: 2021-09-22. Review status: criteria provided, single submitter. Criteria: Invitae Variant Classification Sherloc (09022015). Collection method: clinical testing. Allele origin: germline.
Comment: For these reasons, this variant has been classified as Pathogenic. This variant disrupts a region of the SLC26A4 protein in which other variant(s) (p.Gly424Asp) have been determined to be pathogenic (PMID: 18285825, 19017801). This suggests that this is a clinically significant region of the protein, and that variants that disrupt it are likely to be disease-causing. This variant has not been reported in the literature in individuals affected with SLC26A4-related conditions. This variant is a gross deletion of the genomic region encompassing exon(s) 11-12 of the SLC26A4 gene. This variant would be expected to be in-frame, preserving the integrity of the reading frame.

Literature cited by the submitters: PubMed 18285825; PubMed 19017801.

NC_000007.13:g.(?_107334836)_(107335171_?)del

Gene: SLC26A4 (solute carrier family 26 member 4; plus strand). Cytogenetic location: 7q22.3.
Variant type: Deletion.
Identifiers: ClinVar variation 1459944 (VCV001459944.4).